The following is an entry in ClinVar:

NM_016219.5(MAN1B1):c.1864G>A (p.Glu622Lys)

Gene: MAN1B1 (mannosidase alpha class 1B member 1; plus strand). Cytogenetic location: 9q34.3.
Variant type: single nucleotide variant.
Coding change: c.1864G>A on transcript NM_016219.5 (MANE Select); coding-DNA position 1864, G replaced by A.
Protein change: p.Glu622Lys; replaces glutamic acid 622 with lysine.
Molecular consequence: missense variant. On other transcripts: non-coding transcript variant (2).
Genome position (GRCh38, 1-based): chr9:137,107,630, G>A. VCF-style: chr9-137107630-G-A. GRCh37 (hg19) VCF-style: chr9-140002082-G-A.
Other names: c.1756G>A, p.Glu586Lys (NM_007230.1); short protein forms E586K, E622K.
Identifiers: ClinVar variation 1781559 (VCV001781559.2), dbSNP rs1029270566, ClinGen allele CA201700009.

ClinVar aggregate classification (germline): Uncertain significance (1 of 4 stars; one submission).

Conditions:
Inborn genetic diseases. Identifiers: MedGen C0950123, MeSH D030342.

Allele frequency attached by ClinVar (database versions not stated): gnomAD 0.00001.
gnomAD v4.1: 14 of 1,610,396 alleles (0.00087%); highest among the groups gnomAD compares: Non-Finnish European, 0.0012%; no homozygotes.

Submission:

Ambry Genetics
Classification: Uncertain significance for Inborn genetic diseases. Last evaluated: 2019-03-09. Review status: criteria provided, single submitter. Criteria: Ambry Variant Classification Scheme 2023. Collection method: clinical testing. Allele origin: germline.
Comment: The p.E622K variant (also known as c.1864G>A), located in coding exon 12 of the MAN1B1 gene, results from a G to A substitution at nucleotide position 1864. The glutamic acid at codon 622 is replaced by lysine, an amino acid with similar properties. This amino acid position is well conserved in available vertebrate species. In addition, the in silico prediction for this alteration is inconclusive. Since supporting evidence is limited at this time, the clinical significance of this alteration remains unclear.